The following is an entry in ClinVar:

ClinVar aggregate classification (germline): Conflicting classifications of pathogenicity. Review status: criteria provided, conflicting classifications (1 of 4 stars). 5 submissions from 5 submitters: Pathogenic (1); Uncertain significance (4). Last evaluated 2025-12-13.

Conditions:
Cardiovascular phenotype. Identifiers: MedGen CN230736.
Hypertrophic cardiomyopathy 1 (CMH1). Also called: Familial hypertrophic cardiomyopathy 1; MYH7-Related Familial Hypertrophic Cardiomyopathy. Identifiers: MedGen C3495498, MONDO:0008647, OMIM 192600.
Hypertrophic cardiomyopathy. Also called: HYPERTROPHIC MYOCARDIOPATHY. Identifiers: Orphanet 217569, MedGen C0007194, MeSH D002312, MONDO:0005045, HP:0001639.

Allele frequency attached by ClinVar (database versions not stated): TOPMed below 0.00001; gnomAD 0.00003.

Submissions (5):

Labcorp Genetics (formerly Invitae), Labcorp
Classification: Pathogenic for Hypertrophic cardiomyopathy. Last evaluated: 2025-12-13. Review status: criteria provided, single submitter. Criteria: Invitae Variant Classification Sherloc (09022015). Collection method: clinical testing. Allele origin: germline.
Comment: This sequence change replaces lysine, which is basic and polar, with arginine, which is basic and polar, at codon 542 of the MYH7 protein (p.Lys542Arg). This variant is present in population databases (no rsID available, gnomAD 0.007%). This missense change has been observed in individuals with hypertrophic cardiomyopathy (PMID: 22765922, 28356264). ClinVar contains an entry for this variant (Variation ID: 216363). Invitae Evidence Modeling of protein sequence and biophysical properties (such as structural, functional, and spatial information, amino acid conservation, physicochemical variation, residue mobility, and thermodynamic stability) indicates that this missense variant is expected to disrupt MYH7 protein function with a positive predictive value of 95%. This variant disrupts the p.Lys542 amino acid residue in MYH7. Other variant(s) that disrupt this residue have been determined to be pathogenic (PMID: 25547560). This suggests that this residue is clinically significant, and that variants that disrupt this residue are likely to be disease-causing. This variant is found within a region of MYH7 between codons 181 and 937 that contains the majority of the myosin head domain. Missense variants in this region have been shown to be significantly overrepresented in individuals with hypertrophic cardiomyopathy (PMID: 27532257). For these reasons, this variant has been classified as Pathogenic.

Ambry Genetics
Classification: Uncertain significance for Cardiovascular phenotype. Last evaluated: 2025-11-24. Review status: criteria provided, single submitter. Criteria: Ambry Variant Classification Scheme 2023. Collection method: clinical testing. Allele origin: germline.
Comment: The p.K542R variant (also known as c.1625A>G), located in coding exon 14 of the MYH7 gene, results from an A to G substitution at nucleotide position 1625. The lysine at codon 542 is replaced by arginine, an amino acid with highly similar properties. This alteration is located in the myosin head domain, which contains a statistically significant clustering of pathogenic missense variants (Homburger JR et al. Proc Natl Acad Sci U S A, 2016 06;113:6701-6; Walsh R et al. Genet Med, 2017 02;19:192-203; Ambry internal data). This variant was reported in individual(s) with features consistent with hypertrophic cardiomyopathy (Coto E et al. J Mol Diagn, 2012 Sep;14:518-24; G&oacute;mez J et al. Circ Cardiovasc Genet, 2017 Apr;10; Walsh R et al. Genet Med, 2017 02;19:192-203; McGurk KA et al. Am J Hum Genet. 2023 Sep;110(9):1482-1495; Ramaker ME et al. Circ Genom Precis Med. 2024 Dec;17(6):e004464; Ambry internal data). This amino acid position is highly conserved in available vertebrate species. In addition, this alteration is predicted to be deleterious by in silico analysis. Based on the available evidence, the clinical significance of this variant remains unclear.

Clinical Genetics Laboratory, Region Ostergotland
Classification: Uncertain significance for Hypertrophic cardiomyopathy 1. Last evaluated: 2025-04-03. Review status: criteria provided, single submitter. Criteria: ACMG Guidelines, 2015. Collection method: clinical testing. Allele origin: germline. Affected: yes. Observed: 3 variant alleles, 3 heterozygotes.
Comment: The NM_000257.4:c.1625A>G, p.(Lys542Arg) missense variant in MYH7 was found in three patients with hypertrophic cardiomyopathy. The variant is not found in gnomAD v4.1.0 but is found in ≤1 allele in gnomAD v2.1.1. This variant has been found in patients with hypertrophic cardiomyopthy (PMID: 22765922, PMID: 28356264, PMID: 37652022). The REVEL score for this variant is 0.879. Based on this information, and by applying the ClinGen Cardiomyopathy Expert Panel Specifications to the ACMG/AMP Variant Interpretation Guidelines for MYH7 Version 2.0.0, the following criteria were applied in classifying this variant: PM1, PS4_supporting, PP3_supporting, PM2_supporting

GeneDx
Classification: Uncertain significance. Last evaluated: 2017-09-12. Review status: criteria provided, single submitter. Criteria: GeneDx Variant Classification (06012015). Collection method: clinical testing. Allele origin: germline. Affected: yes.
Comment: This variant has also been published in two individuals in association with HCM, though specific case-level data were not provided for these published cases (Coto et al., 2012; Walsh et al., 2017). The K542R variant is not observed in large population cohorts (Lek et al., 2016; 1000 Genomes Consortium et al., 2015; Exome Variant Server). This substitution occurs at a position that is conserved across species, and in silico analysis predicts this variant is probably damaging to the protein structure/function. Nonetheless, the K542R variant is a conservative amino acid substitution, which is not likely to impact secondary protein structure as these residues share similar properties.

ARUP Laboratories, Molecular Genetics and Genomics, ARUP Laboratories
Classification: Uncertain significance. Last evaluated: 2017-05-05. Review status: criteria provided, single submitter. Criteria: ARUP Molecular Germline Variant Investigation Process. Collection method: clinical testing. Allele origin: germline.
Comment: The p.Lys542Arg variant (rs863224645) has been previously reported in two cohorts of cardiomyopathy patients (Coto 2012 and Walsh 2017); however, no additional clinical details or segregation data were provided. This variant is listed in the Genome Aggregation Database (gnomAD) browser with an overall frequency of 0.003% (identified in 1 out of 30,928 chromosomes), and is listed in the ClinVar database as a variant of uncertain significance (Variation ID: 216363). The lysine at codon 542 is highly conserved considering 12 species up to C. elegans (Alamut software v2.9), and computational analyses suggest this variant has a significant effect on MYH7 protein structure/function (SIFT: damaging, PolyPhen2: probably damaging, and Mutation Taster: disease causing). Additionally, a different variant affecting the same nucleotide (c.1625A>C; p.Lys542Thr) has been reported as a presumed de novo variant in a stillborn fetus with left ventricular noncompaction (LVNC; Nomura 2015) also suggesting importance of this amino acid. However, based on the available information, the clinical significance of the p.Lys542Arg variant cannot be determined with certainty.

Literature cited by the submitters: PubMed 22765922 (cited by 3 submitters); PubMed 28356264 (cited by 3 submitters); PubMed 25547560 (cited by Labcorp Genetics (formerly Invitae), Labcorp); PubMed 27532257 (cited by Labcorp Genetics (formerly Invitae), Labcorp and Ambry Genetics); PubMed 37652022 (cited by Ambry Genetics and Clinical Genetics Laboratory, Region Ostergotland); PubMed 39469763 (cited by Ambry Genetics).

NM_000257.4(MYH7):c.1625A>G (p.Lys542Arg)

Gene: MYH7 (myosin heavy chain 7; minus strand). Cytogenetic location: 14q11.2.
Variant type: single nucleotide variant.
Coding change: c.1625A>G on transcript NM_000257.4 (MANE Select); coding-DNA position 1625, A replaced by G.
Protein change: p.Lys542Arg; replaces lysine 542 with arginine.
Molecular consequence: missense variant.
Genome position (GRCh38, 1-based): chr14:23,427,848, T>C on the plus strand (A>G on the coding strand, the complement: MYH7 is on the minus strand). VCF-style: chr14-23427848-T-C. GRCh37 (hg19) VCF-style: chr14-23897057-T-C.
Other names: c.1625A>G (LRG_384t1); short protein forms K542R.
Identifiers: ClinVar variation 216363 (VCV000216363.17), dbSNP rs863224645, ClinGen allele CA338734.